The following is an entry in ClinVar:

ClinVar aggregate classification (germline): Pathogenic (1 of 4 stars; one submission).

Submission:

Labcorp Genetics (formerly Invitae), Labcorp
Classification: Pathogenic. Last evaluated: 2021-03-29. Review status: criteria provided, single submitter. Criteria: Invitae Variant Classification Sherloc (09022015). Collection method: clinical testing. Allele origin: germline.
Comment: This variant has not been reported in the literature in individuals with GRXCR1-related conditions. For these reasons, this variant has been classified as Pathogenic. This variant disrupts the C-terminus of the GRXCR1 protein. Other variant(s) that disrupt this region (p.R262*) have been determined to be pathogenic (PMID: 25802247, Invitae). This suggests that variants that disrupt this region of the protein are likely to be causative of disease. Experimental studies and prediction algorithms are not available or were not evaluated, and the functional significance of this variant is currently unknown. This variant is not present in population databases (ExAC no frequency). This sequence change creates a premature translational stop signal (p.Cys239*) in the GRXCR1 gene. While this is not anticipated to result in nonsense mediated decay, it is expected to disrupt the last 52 amino acid(s) of the GRXCR1 protein.

Literature cited by the submitters: PubMed 25802247.

NM_001080476.3(GRXCR1):c.717T>A (p.Cys239Ter)

Gene: GRXCR1 (glutaredoxin and cysteine rich domain containing 1; plus strand). Cytogenetic location: 4p13.
Variant type: single nucleotide variant.
Coding change: c.717T>A on transcript NM_001080476.3 (MANE Select); coding-DNA position 717, T replaced by A.
Protein change: p.Cys239Ter; replaces cysteine 239 with a stop codon.
Molecular consequence: nonsense.
Genome position (GRCh38, 1-based): chr4:43,030,384, T>A. VCF-style: chr4-43030384-T-A. GRCh37 (hg19) VCF-style: chr4-43032401-T-A.
Other names: short protein forms C239*.
Identifiers: ClinVar variation 1403252 (VCV001403252.8), dbSNP rs2109812443, ClinGen allele CA356791746.